The following is an entry in ClinVar:

ClinVar aggregate classification (germline): Likely benign (1 of 4 stars; one submission).

Submission:

CeGaT Center for Human Genetics Tuebingen
Classification: Likely benign. Last evaluated: 2026-06-01. Review status: criteria provided, single submitter. Criteria: CeGaT Center For Human Genetics Tuebingen Variant Classification Criteria Version 2. Collection method: clinical testing. Allele origin: germline. Affected: yes. Observed: 1 variant allele.
Comment: MUC2: BP4, BP7

NM_002457.5(MUC2):c.12063C>G (p.Thr4021=)

Gene: MUC2 (mucin 2, oligomeric mucus/gel-forming; plus strand). Cytogenetic location: 11p15.5.
Variant type: single nucleotide variant.
Coding change: c.12063C>G on transcript NM_002457.5 (MANE Select); coding-DNA position 12063, C replaced by G.
Protein change: p.Thr4021=; no amino-acid change (threonine 4021 retained).
Molecular consequence: synonymous variant.
Genome position (GRCh38, 1-based): chr11:1,099,397, C>G. VCF-style: chr11-1099397-C-G. GRCh37 (hg19) VCF-style: chr11-1093305-C-G.
Identifiers: ClinVar variation 4872016 (VCV004872016.2).